The following is an entry in ClinVar:

NM_015164.4(PLEKHM2):c.1216T>A (p.Leu406Met)

Gene: PLEKHM2 (pleckstrin homology and RUN domain containing M2; plus strand). Cytogenetic location: 1p36.21.
Variant type: single nucleotide variant.
Coding change: c.1216T>A on transcript NM_015164.4 (MANE Select); coding-DNA position 1216, T replaced by A.
Protein change: p.Leu406Met; replaces leucine 406 with methionine.
Molecular consequence: missense variant.
Genome position (GRCh38, 1-based): chr1:15,727,288, T>A. VCF-style: chr1-15727288-T-A. GRCh37 (hg19) VCF-style: chr1-16053783-T-A.
Other names: c.1156T>A, p.Leu386Met (NM_001410755.1); short protein forms L386M, L406M.
Identifiers: ClinVar variation 4812501 (VCV004812501.1).

ClinVar aggregate classification (germline): Uncertain significance (1 of 4 stars; one submission).

gnomAD v4.1: 1 of 1,605,548 alleles (0.000062%); highest among the groups gnomAD compares: Non-Finnish European, 0.000085%; no homozygotes.

Submission:

Labcorp Genetics (formerly Invitae), Labcorp
Classification: Uncertain significance. Last evaluated: 2025-06-14. Review status: criteria provided, single submitter. Criteria: Invitae Variant Classification Sherloc (09022015). Collection method: clinical testing. Allele origin: germline.
Comment: This sequence change replaces leucine, which is neutral and non-polar, with methionine, which is neutral and non-polar, at codon 406 of the PLEKHM2 protein (p.Leu406Met). This variant is not present in population databases (gnomAD no frequency). This variant has not been reported in the literature in individuals affected with PLEKHM2-related conditions. An algorithm developed to predict the effect of missense changes on protein structure and function (PolyPhen-2) suggests that this variant is likely to be disruptive. In summary, the available evidence is currently insufficient to determine the role of this variant in disease. Therefore, it has been classified as a Variant of Uncertain Significance.